The following is an entry in ClinVar:

NM_182914.3(SYNE2):c.6028G>A (p.Glu2010Lys)

Gene: SYNE2 (spectrin repeat containing nuclear envelope protein 2; plus strand). Cytogenetic location: 14q23.2.
Variant type: single nucleotide variant.
Coding change: c.6028G>A on transcript NM_182914.3 (MANE Select); coding-DNA position 6028, G replaced by A.
Protein change: p.Glu2010Lys; replaces glutamic acid 2010 with lysine.
Molecular consequence: missense variant.
Genome position (GRCh38, 1-based): chr14:64,025,197, G>A. VCF-style: chr14-64025197-G-A. GRCh37 (hg19) VCF-style: chr14-64491915-G-A.
Other names: c.6028G>A, p.Glu2010Lys (NM_015180.6); short protein forms E2010K.
Identifiers: ClinVar variation 4809643 (VCV004809643.1).
Genomic context (GRCh38, chr14:64,025,197, plus strand): 5'-TTTGAATCTGTGGCCCAATTGAACAACTCTTTGAAGGAATATGGGTTTACTGAAGAAGAA[G>A]AAATAATAATGGAAGCAACATGTTTGATGGATAGATACCAGACATTACTGAGACAACTAA-3'
Protein context (NP_878918.2, residues 2000-2020): LKEYGFTEEE[Glu2010Lys]IIMEATCLMD

ClinVar aggregate classification (germline): Uncertain significance (1 of 4 stars; one submission).

Conditions:
Emery-Dreifuss muscular dystrophy 5, autosomal dominant (EDMD5). Also called: EMERY-DREIFUSS MUSCULAR DYSTROPHY 5. Identifiers: Orphanet 261, MedGen C2751805, MONDO:0013072, OMIM 612999.

gnomAD v4.1: 1 of 1,614,078 alleles (0.000062%); no homozygotes.

Submission:

Labcorp Genetics (formerly Invitae), Labcorp
Classification: Uncertain significance for Emery-Dreifuss muscular dystrophy 5, autosomal dominant. Last evaluated: 2025-09-21. Review status: criteria provided, single submitter. Criteria: Invitae Variant Classification Sherloc (09022015). Collection method: clinical testing. Allele origin: germline.
Comment: This sequence change replaces glutamic acid, which is acidic and polar, with lysine, which is basic and polar, at codon 2010 of the SYNE2 protein (p.Glu2010Lys). This variant is not present in population databases (gnomAD no frequency). This variant has not been reported in the literature in individuals affected with SYNE2-related conditions. An algorithm developed to predict the effect of missense changes on protein structure and function (PolyPhen-2) suggests that this variant is likely to be disruptive. In summary, the available evidence is currently insufficient to determine the role of this variant in disease. Therefore, it has been classified as a Variant of Uncertain Significance.